The following is an entry in ClinVar:

ClinVar aggregate classification (germline): Uncertain significance (1 of 4 stars; one submission).

Conditions:
Dilated cardiomyopathy 1W (CMD1W). Identifiers: Orphanet 154, MedGen C1969639, MONDO:0012667, OMIM 611407.

gnomAD v4.1: 1 of 1,614,150 alleles (0.000062%); highest among the groups gnomAD compares: Non-Finnish European, 0.000085%; no homozygotes.

Submission:

Labcorp Genetics (formerly Invitae), Labcorp
Classification: Uncertain significance for Dilated cardiomyopathy 1W. Last evaluated: 2025-11-07. Review status: criteria provided, single submitter. Criteria: Invitae Variant Classification Sherloc (09022015). Collection method: clinical testing. Allele origin: germline.
Comment: This sequence change replaces alanine, which is neutral and non-polar, with glycine, which is neutral and non-polar, at codon 482 of the VCL protein (p.Ala482Gly). This variant is not present in population databases (gnomAD no frequency). This variant has not been reported in the literature in individuals affected with VCL-related conditions. An algorithm developed to predict the effect of missense changes on protein structure and function (PolyPhen-2) suggests that this variant is likely to be disruptive. In summary, the available evidence is currently insufficient to determine the role of this variant in disease. Therefore, it has been classified as a Variant of Uncertain Significance.

NM_014000.3(VCL):c.1445C>G (p.Ala482Gly)

Gene: VCL (vinculin; plus strand). Cytogenetic location: 10q22.2.
Variant type: single nucleotide variant.
Coding change: c.1445C>G on transcript NM_014000.3 (MANE Select); coding-DNA position 1445, C replaced by G.
Protein change: p.Ala482Gly; replaces alanine 482 with glycine.
Molecular consequence: missense variant.
Genome position (GRCh38, 1-based): chr10:74,094,363, C>G. VCF-style: chr10-74094363-C-G. GRCh37 (hg19) VCF-style: chr10-75854121-C-G.
Other names: c.1445C>G, p.Ala482Gly (NM_003373.4); short protein forms A482G.
Identifiers: ClinVar variation 4754919 (VCV004754919.1).